The following is an entry in ClinVar:

ClinVar aggregate classification (germline): Pathogenic. Review status: criteria provided, multiple submitters, no conflicts (2 of 4 stars). 2 submissions from 2 submitters: Pathogenic (2). Last evaluated 2023-05-19.

Conditions:
Autosomal recessive limb-girdle muscular dystrophy type R18 (LGMDR18). Also called: Autosomal recessive limb-girdle muscular dystrophy type 2S; MUSCULAR DYSTROPHY, LIMB-GIRDLE, AUTOSOMAL RECESSIVE 18; Limb-girdle muscular dystrophy, type 2S. Identifiers: Orphanet 369840, MedGen C4517996, MONDO:0014144, OMIM 615356.

Allele frequency attached by ClinVar (database versions not stated): ExAC 0.00001; gnomAD 0.00001; TOPMed 0.00002.

Submissions (2):

Labcorp Genetics (formerly Invitae), Labcorp
Classification: Pathogenic for Autosomal recessive limb-girdle muscular dystrophy type R18. Last evaluated: 2023-05-19. Review status: criteria provided, single submitter. Criteria: Invitae Variant Classification Sherloc (09022015). Collection method: clinical testing. Allele origin: germline.
Comment: This sequence change creates a premature translational stop signal (p.Arg1065*) in the TRAPPC11 gene. It is expected to result in an absent or disrupted protein product. Loss-of-function variants in TRAPPC11 are known to be pathogenic (PMID: 23830518, 26322222). This variant is present in population databases (rs750976634, gnomAD 0.003%). This variant has not been reported in the literature in individuals affected with TRAPPC11-related conditions. ClinVar contains an entry for this variant (Variation ID: 620376). For these reasons, this variant has been classified as Pathogenic.

GeneDx
Classification: Pathogenic. Last evaluated: 2018-10-02. Review status: criteria provided, single submitter. Criteria: GeneDx Variant Classification (06012015). Collection method: clinical testing. Allele origin: germline. Affected: yes.
Comment: The R1065X variant in the TRAPPC11 gene has not been reported previously as a pathogenic variant nor as a benign variant, to our knowledge. This variant is predicted to cause loss of normal protein function either through protein truncation or nonsense-mediated mRNA decay. The R1065X variant is not observed at a significant frequency in large population cohorts (Lek et al., 2016). We interpret R1065X as a pathogenic variant.

Literature cited by the submitters: PubMed 23830518 (cited by Labcorp Genetics (formerly Invitae), Labcorp); PubMed 26322222 (cited by Labcorp Genetics (formerly Invitae), Labcorp).

NM_021942.6(TRAPPC11):c.3193C>T (p.Arg1065Ter)

Gene: TRAPPC11 (trafficking protein particle complex subunit 11; plus strand). Cytogenetic location: 4q35.1.
Variant type: single nucleotide variant.
Coding change: c.3193C>T on transcript NM_021942.6 (MANE Select); coding-DNA position 3193, C replaced by T.
Protein change: p.Arg1065Ter; replaces arginine 1065 with a stop codon.
Molecular consequence: nonsense.
Genome position (GRCh38, 1-based): chr4:183,708,410, C>T. VCF-style: chr4-183708410-C-T. GRCh37 (hg19) VCF-style: chr4-184629563-C-T.
Other names: c.3193C>T, p.Arg1065Ter (NM_199053.3); short protein forms R1065*.
Identifiers: ClinVar variation 620376 (VCV000620376.5), dbSNP rs750976634, ClinGen allele CA3152471.